The following is an entry in ClinVar:

ClinVar aggregate classification (germline): Uncertain significance (1 of 4 stars; one submission).

Allele frequency attached by ClinVar (database versions not stated): gnomAD exomes below 0.00001.

Submission:

Labcorp Genetics (formerly Invitae), Labcorp
Classification: Uncertain significance. Last evaluated: 2021-02-20. Review status: criteria provided, single submitter. Criteria: Invitae Variant Classification Sherloc (09022015). Collection method: clinical testing. Allele origin: germline.
Comment: In summary, the available evidence is currently insufficient to determine the role of this variant in disease. Therefore, it has been classified as a Variant of Uncertain Significance. Nucleotide substitutions within the consensus splice site are a relatively common cause of aberrant splicing (PMID: 17576681, 9536098). Algorithms developed to predict the effect of sequence changes on RNA splicing suggest that this variant is not likely to affect RNA splicing, but this prediction has not been confirmed by published transcriptional studies. This variant has not been reported in the literature in individuals with INPPL1-related conditions. This variant is not present in population databases (ExAC no frequency). This sequence change falls in intron 9 of the INPPL1 gene. It does not directly change the encoded amino acid sequence of the INPPL1 protein. It affects a nucleotide within the consensus splice site of the intron.

Literature cited by the submitters: PubMed 17576681; PubMed 9536098.

NM_001567.4(INPPL1):c.1090+6C>T

Gene: INPPL1 (inositol polyphosphate phosphatase like 1; plus strand). Cytogenetic location: 11q13.4.
Variant type: single nucleotide variant.
Coding change: c.1090+6C>T on transcript NM_001567.4 (MANE Select); 6 bases into the intron after coding-DNA position 1090, C replaced by T.
Molecular consequence: intron variant.
Genome position (GRCh38, 1-based): chr11:72,230,277, C>T. VCF-style: chr11-72230277-C-T. GRCh37 (hg19) VCF-style: chr11-71941321-C-T.
Identifiers: ClinVar variation 1486038 (VCV001486038.6), dbSNP rs2135427110, ClinGen allele CA2573147666.